The following is an entry in ClinVar:

ClinVar aggregate classification (germline): Uncertain significance (1 of 4 stars; one submission).

Allele frequency attached by ClinVar (database versions not stated): gnomAD exomes below 0.00001; TOPMed below 0.00001.

Submission:

Labcorp Genetics (formerly Invitae), Labcorp
Classification: Uncertain significance. Last evaluated: 2022-03-09. Review status: criteria provided, single submitter. Criteria: Invitae Variant Classification Sherloc (09022015). Collection method: clinical testing. Allele origin: germline.
Comment: This sequence change replaces asparagine, which is neutral and polar, with histidine, which is basic and polar, at codon 804 of the WHRN protein (p.Asn804His). This variant is not present in population databases (gnomAD no frequency). This variant has not been reported in the literature in individuals affected with WHRN-related conditions. Algorithms developed to predict the effect of missense changes on protein structure and function are either unavailable or do not agree on the potential impact of this missense change (SIFT: "Deleterious"; PolyPhen-2: "Benign"; Align-GVGD: "Class C0"). In summary, the available evidence is currently insufficient to determine the role of this variant in disease. Therefore, it has been classified as a Variant of Uncertain Significance.

NM_015404.4(WHRN):c.2410A>C (p.Asn804His)

Gene: WHRN (whirlin; minus strand). Cytogenetic location: 9q32.
Variant type: single nucleotide variant.
Coding change: c.2410A>C on transcript NM_015404.4 (MANE Select); coding-DNA position 2410, A replaced by C.
Protein change: p.Asn804His; replaces asparagine 804 with histidine.
Molecular consequence: missense variant.
Genome position (GRCh38, 1-based): chr9:114,403,904, T>G on the plus strand (A>C on the coding strand, the complement: WHRN is on the minus strand). VCF-style: chr9-114403904-T-G. GRCh37 (hg19) VCF-style: chr9-117166184-T-G.
Other names: c.1261A>C, p.Asn421His (NM_001083885.3); c.2407A>C, p.Asn803His (NM_001173425.2); c.1357A>C, p.Asn453His (NM_001346890.1); short protein forms N421H, N803H, N453H, N804H.
Identifiers: ClinVar variation 1468688 (VCV001468688.3), dbSNP rs1834841769, ClinGen allele CA374619470.